The following is an entry in ClinVar:

NM_015909.4(NBAS):c.6130A>T (p.Ile2044Leu)

Gene: NBAS (NBAS subunit of NRZ tethering complex; minus strand). Cytogenetic location: 2p24.3.
Variant type: single nucleotide variant.
Coding change: c.6130A>T on transcript NM_015909.4 (MANE Select); coding-DNA position 6130, A replaced by T.
Protein change: p.Ile2044Leu; replaces isoleucine 2044 with leucine.
Molecular consequence: missense variant. On other transcripts: non-coding transcript variant (1).
Genome position (GRCh38, 1-based): chr2:15,234,561, T>A on the plus strand (A>T on the coding strand, the complement: NBAS is on the minus strand). VCF-style: chr2-15234561-T-A. GRCh37 (hg19) VCF-style: chr2-15374685-T-A.
Other names: short protein forms I2044L.
Identifiers: ClinVar variation 2098857 (VCV002098857.4), dbSNP rs2528264574, ClinGen allele CA345888165.
Genomic context (GRCh38, chr2:15,234,561, plus strand): 5'-AAGTGTCACCCCAGTTTTTCCACAATGACCACTTTCTAGCTTACCTCAATGCAGAAATTA[T>A]TTTCATGATTGCACTCTGCACTATATCCTTGGGTGAGATGTCAAGAGGGCCAACTGCCAC-3'
Protein context (NP_056993.2, residues 2034-2054): KDIVQSAIMK[Ile2044Leu]ISALSGGSAD

ClinVar aggregate classification (germline): Uncertain significance (1 of 4 stars; one submission).

Submission:

Labcorp Genetics (formerly Invitae), Labcorp
Classification: Uncertain significance. Last evaluated: 2022-02-18. Review status: criteria provided, single submitter. Criteria: Invitae Variant Classification Sherloc (09022015). Collection method: clinical testing. Allele origin: germline.
Comment: This sequence change replaces isoleucine, which is neutral and non-polar, with leucine, which is neutral and non-polar, at codon 2044 of the NBAS protein (p.Ile2044Leu). This variant is not present in population databases (gnomAD no frequency). This variant has not been reported in the literature in individuals affected with NBAS-related conditions. Algorithms developed to predict the effect of missense changes on protein structure and function are either unavailable or do not agree on the potential impact of this missense change (SIFT: "Deleterious"; PolyPhen-2: "Benign"; Align-GVGD: "Class C0"). In summary, the available evidence is currently insufficient to determine the role of this variant in disease. Therefore, it has been classified as a Variant of Uncertain Significance.